The following is an entry in ClinVar:

NM_001270508.2(TNFAIP3):c.738C>A (p.Tyr246Ter)

Genes: TNFAIP3 (TNF alpha induced protein 3; plus strand), LOC126859807 (MED14-independent group 3 enhancer GRCh37_chr6:138196296-138197495; plus strand). Cytogenetic location: 6q23.3.
Variant type: single nucleotide variant.
Coding change: c.738C>A on transcript NM_001270508.2 (MANE Select); coding-DNA position 738, C replaced by A.
Protein change: p.Tyr246Ter; replaces tyrosine 246 with a stop codon.
Molecular consequence: nonsense.
Genome position (GRCh38, 1-based): chr6:137,876,099, C>A. VCF-style: chr6-137876099-C-A. GRCh37 (hg19) VCF-style: chr6-138197236-C-A.
Other names: c.738C>A, p.Tyr246Ter (NM_001270507.2, NM_006290.4); short protein forms Y246*.
Identifiers: ClinVar variation 3673243 (VCV003673243.2).
Genomic context (GRCh38, chr6:137,876,099, plus strand): 5'-TTTGAAAGTGGGTGGAATTTACTTGCCTCTCCACTGGCCTGCCCAGGAATGCTACAGATA[C>A]CCCATTGTTCTCGGCTATGACAGCCATCATTTTGTACCCTTGGTGACCCTGAAGGACAGT-3'

ClinVar aggregate classification (germline): Pathogenic (1 of 4 stars; one submission).

Submission:

Labcorp Genetics (formerly Invitae), Labcorp
Classification: Pathogenic. Last evaluated: 2024-08-04. Review status: criteria provided, single submitter. Criteria: Invitae Variant Classification Sherloc (09022015). Collection method: clinical testing. Allele origin: germline.
Comment: This sequence change creates a premature translational stop signal (p.Tyr246*) in the TNFAIP3 gene. It is expected to result in an absent or disrupted protein product. Loss-of-function variants in TNFAIP3 are known to be pathogenic (PMID: 26642243). This variant is not present in population databases (gnomAD no frequency). This variant has not been reported in the literature in individuals affected with TNFAIP3-related conditions. Algorithms developed to predict the effect of sequence changes on RNA splicing suggest that this variant may disrupt the consensus splice site. For these reasons, this variant has been classified as Pathogenic.

Literature cited by the submitters: PubMed 26642243.